The following is an entry in ClinVar:

NM_017662.5(TRPM6):c.4609G>C (p.Ala1537Pro)

Gene: TRPM6 (transient receptor potential cation channel subfamily M member 6; minus strand). Cytogenetic location: 9q21.13.
Variant type: single nucleotide variant.
Coding change: c.4609G>C on transcript NM_017662.5 (MANE Select); coding-DNA position 4609, G replaced by C.
Protein change: p.Ala1537Pro; replaces alanine 1537 with proline.
Molecular consequence: missense variant.
Genome position (GRCh38, 1-based): chr9:74,762,062, C>G on the plus strand (G>C on the coding strand, the complement: TRPM6 is on the minus strand). VCF-style: chr9-74762062-C-G. GRCh37 (hg19) VCF-style: chr9-77376978-C-G.
Other names: c.4594G>C, p.Ala1532Pro (NM_001177310.2, NM_001177311.2); short protein forms A1532P, A1537P.
Identifiers: ClinVar variation 1966283 (VCV001966283.6), dbSNP rs779624727, ClinGen allele CA194289663.
Genomic context (GRCh38, chr9:74,762,062, plus strand): 5'-TAATCTTACAGATCTTCATCAATTTCTCCTCCTTATGGAATCTAAAACTATGACTCCTAG[C>G]GAAGGGCCTGTATCTGCGGAGAGGATTGATCCAAAAGGATGTGTTTGGCTGAAGCCATGG-3'
Protein context (NP_060132.3, residues 1527-1547): INPLRRYRPF[Ala1537Pro]RSHSFRFHKE

ClinVar aggregate classification (germline): Uncertain significance. Review status: criteria provided, multiple submitters, no conflicts (2 of 4 stars). 2 submissions from 2 submitters: Uncertain significance (2). Last evaluated 2024-06-05.

Conditions:
Intestinal hypomagnesemia 1. Also called: HYPOMAGNESEMIA, INTESTINAL, WITH SECONDARY HYPOCALCEMIA; HYPOMAGNESEMIC TETANY. Identifiers: Orphanet 30924, MedGen C1865974, MONDO:0011176, OMIM 602014.

Allele frequency attached by ClinVar (database versions not stated): TOPMed 0.00002.
gnomAD v4.1: 12 of 1,614,056 alleles (0.00074%); highest among the groups gnomAD compares: Non-Finnish European, 0.001%; no homozygotes.

Submissions (2):

Fulgent Genetics
Classification: Uncertain significance for Intestinal hypomagnesemia 1. Last evaluated: 2024-06-05. Review status: criteria provided, single submitter. Criteria: ACMG Guidelines, 2015. Collection method: clinical testing. Allele origin: germline.

Labcorp Genetics (formerly Invitae), Labcorp
Classification: Uncertain significance. Last evaluated: 2022-08-31. Review status: criteria provided, single submitter. Criteria: Invitae Variant Classification Sherloc (09022015). Collection method: clinical testing. Allele origin: germline.
Comment: In summary, the available evidence is currently insufficient to determine the role of this variant in disease. Therefore, it has been classified as a Variant of Uncertain Significance. Algorithms developed to predict the effect of missense changes on protein structure and function (SIFT, PolyPhen-2, Align-GVGD) all suggest that this variant is likely to be tolerated. This variant has not been reported in the literature in individuals affected with TRPM6-related conditions. This variant is present in population databases (no rsID available, gnomAD 0.002%). This sequence change replaces alanine, which is neutral and non-polar, with proline, which is neutral and non-polar, at codon 1537 of the TRPM6 protein (p.Ala1537Pro).